The following is an entry in ClinVar:

NM_004304.5(ALK):c.3875C>T (p.Pro1292Leu)

Gene: ALK (ALK receptor tyrosine kinase; minus strand). Cytogenetic location: 2p23.2.
Variant type: single nucleotide variant.
Coding change: c.3875C>T on transcript NM_004304.5 (MANE Select); coding-DNA position 3875, C replaced by T.
Protein change: p.Pro1292Leu; replaces proline 1292 with leucine.
Molecular consequence: missense variant.
Genome position (GRCh38, 1-based): chr2:29,207,234, G>A on the plus strand (C>T on the coding strand, the complement: ALK is on the minus strand). VCF-style: chr2-29207234-G-A. GRCh37 (hg19) VCF-style: chr2-29430100-G-A.
Other names: c.3875C>T (NM_004304.4); c.671C>T, p.Pro224Leu (NM_001353765.2); short protein forms P224L, P1292L.
Identifiers: ClinVar variation 1496138 (VCV001496138.9), dbSNP rs2148152117, ClinGen allele CA346468881.

ClinVar aggregate classification (germline): Uncertain significance. Review status: criteria provided, multiple submitters, no conflicts (2 of 4 stars). 2 submissions from 2 submitters: Uncertain significance (2). Last evaluated 2024-02-24.

Conditions:
Neuroblastoma, susceptibility to, 3. Also called: ALK-Related Neuroblastic Tumor Susceptibility. Identifiers: Orphanet 635, MedGen C2751681, MONDO:0013083, OMIM 613014.
Hereditary cancer-predisposing syndrome. Also called: Tumor predisposition; Hereditary neoplastic syndrome; Neoplastic Syndromes, Hereditary; Hereditary Cancer Syndrome. Identifiers: Orphanet 140162, MedGen C0027672, MeSH D009386, MONDO:0015356.

Submissions (2):

Labcorp Genetics (formerly Invitae), Labcorp
Classification: Uncertain significance for Neuroblastoma, susceptibility to, 3. Last evaluated: 2024-02-24. Review status: criteria provided, single submitter. Criteria: Invitae Variant Classification Sherloc (09022015). Collection method: clinical testing. Allele origin: germline.
Comment: This sequence change replaces proline, which is neutral and non-polar, with leucine, which is neutral and non-polar, at codon 1292 of the ALK protein (p.Pro1292Leu). This variant is not present in population databases (gnomAD no frequency). This variant has not been reported in the literature in individuals affected with ALK-related conditions. ClinVar contains an entry for this variant (Variation ID: 1496138). An algorithm developed to predict the effect of missense changes on protein structure and function (PolyPhen-2) suggests that this variant is likely to be disruptive. In summary, the available evidence is currently insufficient to determine the role of this variant in disease. Therefore, it has been classified as a Variant of Uncertain Significance.

Ambry Genetics
Classification: Uncertain significance for Hereditary cancer-predisposing syndrome. Last evaluated: 2023-01-16. Review status: criteria provided, single submitter. Criteria: Ambry Variant Classification Scheme 2023. Collection method: clinical testing. Allele origin: germline.
Comment: The p.P1292L variant (also known as c.3875C>T), located in coding exon 26 of the ALK gene, results from a C to T substitution at nucleotide position 3875. The proline at codon 1292 is replaced by leucine, an amino acid with similar properties. This amino acid position is conserved. In addition, this alteration is predicted to be deleterious by in silico analysis. Since supporting evidence is limited at this time, the clinical significance of this alteration remains unclear.